The following is an entry in ClinVar:

NM_005529.7(HSPG2):c.2012A>G (p.His671Arg)

Gene: HSPG2 (heparan sulfate proteoglycan 2; minus strand). Cytogenetic location: 1p36.12.
Variant type: single nucleotide variant.
Coding change: c.2012A>G on transcript NM_005529.7 (MANE Select); coding-DNA position 2012, A replaced by G.
Protein change: p.His671Arg; replaces histidine 671 with arginine.
Molecular consequence: missense variant.
Genome position (GRCh38, 1-based): chr1:21,880,546, T>C on the plus strand (A>G on the coding strand, the complement: HSPG2 is on the minus strand). VCF-style: chr1-21880546-T-C. GRCh37 (hg19) VCF-style: chr1-22207039-T-C.
Other names: c.2015A>G, p.His672Arg (NM_001291860.2); short protein forms H671R, H672R.
Identifiers: ClinVar variation 1216673 (VCV001216673.4), dbSNP rs758378141, ClinGen allele CA673216.

ClinVar aggregate classification (germline): Uncertain significance. Review status: criteria provided, multiple submitters, no conflicts (2 of 4 stars). 2 submissions from 2 submitters: Uncertain significance (2). Last evaluated 2021-03-15.

Allele frequency attached by ClinVar (database versions not stated): gnomAD exomes 0.00001 and 0.00002; ExAC 0.00002.
gnomAD v4.1: 14 of 1,613,496 alleles (0.00087%); highest among the groups gnomAD compares: Middle Eastern, 0.16%; 1 homozygote.

Submissions (2):

Blueprint Genetics
Classification: Uncertain significance. Last evaluated: 2021-03-15. Review status: criteria provided, single submitter. Criteria: ACMG Guidelines, 2015. Collection method: clinical testing. Allele origin: germline.

GeneDx
Classification: Uncertain significance. Last evaluated: 2019-10-24. Review status: criteria provided, single submitter. Criteria: GeneDx Variant Classification Process June 2021. Collection method: clinical testing. Allele origin: germline. Affected: yes.
Comment: In silico analysis, which includes protein predictors and evolutionary conservation, supports a deleterious effect; In addition, in silico splice predictors suggest this variant may lead to abnormal gene splicing. In the absence of RNA/functional studies, the actual effect of this sequence change is unknown; Has not been previously published as pathogenic or benign to our knowledge